The following is an entry in ClinVar:

NM_001197104.2(KMT2A):c.3291A>G (p.Pro1097=)

Gene: KMT2A (lysine methyltransferase 2A; plus strand). Cytogenetic location: 11q23.3.
Variant type: single nucleotide variant.
Coding change: c.3291A>G on transcript NM_001197104.2 (MANE Select); coding-DNA position 3291, A replaced by G.
Protein change: p.Pro1097=; no amino-acid change (proline 1097 retained).
Molecular consequence: synonymous variant.
Genome position (GRCh38, 1-based): chr11:118,476,939, A>G. VCF-style: chr11-118476939-A-G. GRCh37 (hg19) VCF-style: chr11-118347654-A-G.
Other names: c.3291A>G, p.Pro1097= (NM_005933.4).
Identifiers: ClinVar variation 774700 (VCV000774700.46), dbSNP rs9332783, ClinGen allele CA6303641.

ClinVar aggregate classification (germline): Benign/Likely benign. Review status: criteria provided, multiple submitters, no conflicts (2 of 4 stars). 4 submissions from 4 submitters: Benign (3); Likely benign (1). Last evaluated 2026-09-01.

Allele frequency attached by ClinVar (database versions not stated): gnomAD 0.00438 and 0.00439; ESP Exome Variant Server 0.00439; gnomAD exomes 0.00651 and 0.00437; 1000 Genomes Project 0.00220; 1000 Genomes Project 30x 0.00297; ExAC 0.00418; TOPMed 0.00431.
gnomAD v4.1: 10,170 of 1,614,180 alleles (0.63%); highest among the groups gnomAD compares: Non-Finnish European, 0.77%; 47 homozygotes.

Submissions (4):

CeGaT Center for Human Genetics Tuebingen
Classification: Benign. Last evaluated: 2026-09-01. Review status: criteria provided, single submitter. Criteria: CeGaT Center For Human Genetics Tuebingen Variant Classification Criteria Version 2. Collection method: clinical testing. Allele origin: germline. Affected: yes. Observed: 36 variant alleles.
Comment: KMT2A: BP4, BP7, BS1, BS2

Labcorp Genetics (formerly Invitae), Labcorp
Classification: Benign. Last evaluated: 2026-02-01. Review status: criteria provided, single submitter. Criteria: Invitae Variant Classification Sherloc (09022015). Collection method: clinical testing. Allele origin: germline.

GeneDx
Classification: Benign. Last evaluated: 2018-11-20. Review status: criteria provided, single submitter. Criteria: GeneDx Variant Classification Process June 2021. Collection method: clinical testing. Allele origin: germline. Affected: yes.

Breakthrough Genomics
Classification: Likely benign. Review status: criteria provided, single submitter. Criteria: ACMG Guidelines, 2015. Collection method: not provided. Allele origin: germline. Inheritance: Autosomal dominant inheritance. Affected: yes.